The following is an entry in ClinVar:

ClinVar aggregate classification (germline): Uncertain significance (1 of 4 stars; one submission).

Conditions:
Tetralogy of Fallot (TOF). Identifiers: Orphanet 3303, MedGen C0039685, MONDO:0008542, OMIM 187500, HP:0001636.
Velocardiofacial syndrome (VCFS). Also called: SHPRINTZEN VCF SYNDROME; VCF SYNDROME; Shprintzen syndrome. Identifiers: Orphanet 567, MedGen C0220704, MONDO:0008644, OMIM 192430. Disease mechanism: loss of function.
DiGeorge syndrome. Also called: Catch22; THIRD AND FOURTH PHARYNGEAL POUCH SYNDROME. Identifiers: Orphanet 567, MedGen C0012236, MONDO:0008564, OMIM 188400.
Conotruncal heart malformations (CTHM). Also called: Conotruncal heart malformations, variable. Identifiers: Orphanet 2445, Orphanet 3384, Orphanet 3426, MedGen C1857586, MONDO:0016581, OMIM 217095.

Submission:

Juno Genomics, Hangzhou Juno Genomics, Inc
Classification: Uncertain significance for Tetralogy of Fallot; Velocardiofacial syndrome; Conotruncal heart malformations; DiGeorge syndrome. Review status: criteria provided, single submitter. Criteria: ACMG Guidelines, 2015. Collection method: clinical testing. Allele origin: germline.
Comment: Absent from controls (or at extremely low frequency if recessive) in Genome Aggregation Database.;Multiple lines of computational evidence support a deleterious effect on the gene or gene product.

NM_001379200.1(TBX1):c.695T>C (p.Leu232Pro)

Gene: TBX1 (T-box transcription factor 1; plus strand). Cytogenetic location: 22q11.21.
Variant type: single nucleotide variant.
Coding change: c.695T>C on transcript NM_001379200.1 (MANE Select); coding-DNA position 695, T replaced by C.
Protein change: p.Leu232Pro; replaces leucine 232 with proline.
Molecular consequence: missense variant.
Genome position (GRCh38, 1-based): chr22:19,764,310, T>C. VCF-style: chr22-19764310-T-C. GRCh37 (hg19) VCF-style: chr22-19751833-T-C.
Other names: c.668T>C, p.Leu223Pro (NM_005992.1, NM_080646.2, NM_080647.1); short protein forms L223P, L232P.
Identifiers: ClinVar variation 5006443 (VCV005006443.2).